The following is an entry in ClinVar:

NM_001943.5(DSG2):c.2758G>C (p.Val920Leu)

Genes: DSG2 (desmoglein 2; plus strand), DSG2-AS1 (DSG2 antisense RNA 1; minus strand). Cytogenetic location: 18q12.1.
Variant type: single nucleotide variant.
Coding change: c.2758G>C on transcript NM_001943.5 (MANE Select); coding-DNA position 2758, G replaced by C.
Protein change: p.Val920Leu; replaces valine 920 with leucine.
Molecular consequence: missense variant.
Genome position (GRCh38, 1-based): chr18:31,546,144, G>C. VCF-style: chr18-31546144-G-C. GRCh37 (hg19) VCF-style: chr18-29126107-G-C.
Other names: short protein forms V920L.
Identifiers: ClinVar variation 1062472 (VCV001062472.9), dbSNP rs547741894, ClinGen allele CA402146644.
Genomic context (GRCh38, chr18:31,546,144, plus strand): 5'-GAGAAAGTAACTCAGGAAATAGTCACTGAAAGATCTGTGTCTTCTAGGCAGGCGCAAAAG[G>C]TAGCTACACCTCTTCCTGACCCAATGGCTTCTAGAAATGTGATAGCAACAGAAACTTCCT-3'
Protein context (NP_001934.2, residues 910-930): RSVSSRQAQK[Val920Leu]ATPLPDPMAS

ClinVar aggregate classification (germline): Uncertain significance (1 of 4 stars; one submission).

Conditions:
Arrhythmogenic right ventricular dysplasia 10. Also called: Arrhythmogenic right ventricular dysplasia/cardiomyopathy, type 10; Arrhythmogenic Right Ventricular Dysplasia/Cardiomyopathy10; ARRHYTHMOGENIC RIGHT VENTRICULAR DYSPLASIA, FAMILIAL, 10. Identifiers: MedGen C1857777, MONDO:0012434, OMIM 610193.

Submission:

Labcorp Genetics (formerly Invitae), Labcorp
Classification: Uncertain significance for Arrhythmogenic right ventricular dysplasia 10. Last evaluated: 2020-03-05. Review status: criteria provided, single submitter. Criteria: Invitae Variant Classification Sherloc (09022015). Collection method: clinical testing. Allele origin: germline.
Comment: In summary, the available evidence is currently insufficient to determine the role of this variant in disease. Therefore, it has been classified as a Variant of Uncertain Significance. Algorithms developed to predict the effect of missense changes on protein structure and function (SIFT, PolyPhen-2, Align-GVGD) all suggest that this variant is likely to be tolerated, but these predictions have not been confirmed by published functional studies and their clinical significance is uncertain. This variant has not been reported in the literature in individuals with DSG2-related conditions. This variant is not present in population databases (ExAC no frequency). This sequence change replaces valine with leucine at codon 920 of the DSG2 protein (p.Val920Leu). The valine residue is moderately conserved and there is a small physicochemical difference between valine and leucine.